The following is an entry in ClinVar:

NM_001458.5(FLNC):c.6982G>A (p.Val2328Met)

Genes: FLNC-AS1 (FLNC antisense RNA 1; minus strand), FLNC (filamin C; plus strand). Cytogenetic location: 7q32.1.
Variant type: single nucleotide variant.
Coding change: c.6982G>A on transcript NM_001458.5 (MANE Select); coding-DNA position 6982, G replaced by A.
Protein change: p.Val2328Met; replaces valine 2328 with methionine.
Molecular consequence: missense variant.
Genome position (GRCh38, 1-based): chr7:128,854,667, G>A. VCF-style: chr7-128854667-G-A. GRCh37 (hg19) VCF-style: chr7-128494721-G-A.
Other names: c.6883G>A, p.Val2295Met (NM_001127487.2); short protein forms V2295M, V2328M.
Identifiers: ClinVar variation 1474818 (VCV001474818.8), dbSNP rs2128939561, ClinGen allele CA369214395.
Genomic context (GRCh38, chr7:128,854,667, plus strand): 5'-CCGCTGGGTGAAGGTGGTGCCCACAAGGTGCGGGCCGGAGGCACAGGGCTGGAGCGAGGT[G>A]TGGCCGGCGTGCCAGGTAAGGGGCAGGTGGCCAGGAGTGGGGATGAAGTCAGGGCAGCCA-3'
Protein context (NP_001449.3, residues 2318-2338): RAGGTGLERG[Val2328Met]AGVPAEFSIW

ClinVar aggregate classification (germline): Pathogenic (1 of 4 stars; one submission).

Conditions:
Distal myopathy with posterior leg and anterior hand involvement. Also called: WILLIAMS DISTAL MYOPATHY. Identifiers: Orphanet 63273, MedGen C3279722, MONDO:0013550, OMIM 614065.
Hypertrophic cardiomyopathy 26. Also called: Cardiomyopathy, familial hypertrophic, 26. Identifiers: Orphanet 75249, MedGen C4310749, MONDO:0014883, OMIM 617047.
Myofibrillar myopathy 5. Also called: FILAMINOPATHY, AUTOSOMAL DOMINANT; Filaminopathy (type). Identifiers: Orphanet 171445, MedGen C1836050, MONDO:0012289, OMIM 609524.

Submission:

Labcorp Genetics (formerly Invitae), Labcorp
Classification: Pathogenic for Distal myopathy with posterior leg and anterior hand involvement; Myofibrillar myopathy 5; Hypertrophic cardiomyopathy 26. Last evaluated: 2023-12-06. Review status: criteria provided, single submitter. Criteria: Invitae Variant Classification Sherloc (09022015). Collection method: clinical testing. Allele origin: germline.
Comment: This sequence change replaces valine, which is neutral and non-polar, with methionine, which is neutral and non-polar, at codon 2328 of the FLNC protein (p.Val2328Met). This variant is not present in population databases (gnomAD no frequency). This missense change has been observed in individual(s) with clinical features of distal myopathy (Invitae). In at least one individual the variant was observed to be de novo. ClinVar contains an entry for this variant (Variation ID: 1474818). Advanced modeling of protein sequence and biophysical properties (such as structural, functional, and spatial information, amino acid conservation, physicochemical variation, residue mobility, and thermodynamic stability) performed at Invitae indicates that this missense variant is not expected to disrupt FLNC protein function with a negative predictive value of 95%. Algorithms developed to predict the effect of sequence changes on RNA splicing suggest that this variant may create or strengthen a splice site. For these reasons, this variant has been classified as Pathogenic.